The following is an entry in ClinVar:

ClinVar aggregate classification (germline): Uncertain significance (1 of 4 stars; one submission).

Allele frequency attached by ClinVar (database versions not stated): gnomAD exomes below 0.00001.
gnomAD v4.1: 6 of 1,613,922 alleles (0.00037%); highest among the groups gnomAD compares: Non-Finnish European, 0.00051%; no homozygotes.

Submission:

GeneDx
Classification: Uncertain significance. Last evaluated: 2022-12-06. Review status: criteria provided, single submitter. Criteria: GeneDx Variant Classification Process June 2021. Collection method: clinical testing. Allele origin: germline. Affected: yes.
Comment: Not observed at significant frequency in large population cohorts (gnomAD); In silico analysis supports that this missense variant has a deleterious effect on protein structure/function; Has not been previously published as pathogenic or benign to our knowledge

NM_000412.5(HRG):c.472G>A (p.Ala158Thr)

Gene: HRG (histidine rich glycoprotein; plus strand). Cytogenetic location: 3q27.3.
Variant type: single nucleotide variant.
Coding change: c.472G>A on transcript NM_000412.5 (MANE Select); coding-DNA position 472, G replaced by A.
Protein change: p.Ala158Thr; replaces alanine 158 with threonine.
Molecular consequence: missense variant.
Genome position (GRCh38, 1-based): chr3:186,671,703, G>A. VCF-style: chr3-186671703-G-A. GRCh37 (hg19) VCF-style: chr3-186389492-G-A.
Other names: short protein forms A158T.
Identifiers: ClinVar variation 2504898 (VCV002504898.1), dbSNP rs2473807139, ClinGen allele CA355738006.
Genomic context (GRCh38, chr3:186,671,703, plus strand): 5'-ACCAAAGATAGTCCGGTCCTCATAGATTTCTTTGAGGATACTGAGCGCTACAGAAAACAA[G>A]CCAACAAAGCCCTTGAGAAGTACAAAGAGGAGAATGATGACTTTGCCTCTTTCAGAGTGG-3'
Protein context (NP_000403.1, residues 148-168): FEDTERYRKQ[Ala158Thr]NKALEKYKEE